The following is an entry in ClinVar:

ClinVar aggregate classification (germline): Uncertain significance (1 of 4 stars; one submission).

Submission:

Labcorp Genetics (formerly Invitae), Labcorp
Classification: Uncertain significance. Last evaluated: 2024-06-06. Review status: criteria provided, single submitter. Criteria: Invitae Variant Classification Sherloc (09022015). Collection method: clinical testing. Allele origin: germline.
Comment: This sequence change falls in intron 2 of the SERPING1 gene. It does not directly change the encoded amino acid sequence of the SERPING1 protein. It affects a nucleotide within the consensus splice site. This variant is not present in population databases (gnomAD no frequency). This variant has not been reported in the literature in individuals affected with SERPING1-related conditions. Variants that disrupt the consensus splice site are a relatively common cause of aberrant splicing (PMID: 17576681, 9536098). Algorithms developed to predict the effect of sequence changes on RNA splicing suggest that this variant is not likely to affect RNA splicing. In summary, the available evidence is currently insufficient to determine the role of this variant in disease. Therefore, it has been classified as a Variant of Uncertain Significance.

Literature cited by the submitters: PubMed 17576681; PubMed 9536098.

NM_000062.3(SERPING1):c.52-3C>T

Gene: SERPING1 (serpin family G member 1; plus strand). Cytogenetic location: 11q12.1.
Variant type: single nucleotide variant.
Coding change: c.52-3C>T on transcript NM_000062.3 (MANE Select); 3 bases into the intron before coding-DNA position 52, C replaced by T.
Molecular consequence: intron variant.
Genome position (GRCh38, 1-based): chr11:57,599,876, C>T. VCF-style: chr11-57599876-C-T. GRCh37 (hg19) VCF-style: chr11-57367349-C-T.
Other names: c.52-3C>T (NM_001032295.2).
Identifiers: ClinVar variation 3645554 (VCV003645554.2).